The following is an entry in ClinVar:

NM_005548.3(KARS1):c.63-2609G>C

Gene: KARS1 (lysyl-tRNA synthetase 1; minus strand). Cytogenetic location: 16q23.1.
Variant type: single nucleotide variant.
Coding change: c.63-2609G>C on transcript NM_005548.3 (MANE Select); 2609 bases into the intron before coding-DNA position 63, G replaced by C.
Molecular consequence: intron variant. On other transcripts: missense variant (1).
Genome position (GRCh38, 1-based): chr16:75,644,332, C>G on the plus strand (G>C on the coding strand, the complement: KARS1 is on the minus strand). VCF-style: chr16-75644332-C-G. GRCh37 (hg19) VCF-style: chr16-75678230-C-G.
Other names: c.97G>C, p.Ala33Pro (NM_001130089.2); c.-406-2609G>C (NM_001378148.1); short protein forms A33P.
Identifiers: ClinVar variation 3696060 (VCV003696060.1).

ClinVar aggregate classification (germline): Uncertain significance (1 of 4 stars; one submission).

gnomAD v4.1: 7 of 1,609,142 alleles (0.00044%); highest among the groups gnomAD compares: Middle Eastern, 0.05%; no homozygotes.

Submission:

Labcorp Genetics (formerly Invitae), Labcorp
Classification: Uncertain significance. Last evaluated: 2024-11-02. Review status: criteria provided, single submitter. Criteria: Invitae Variant Classification Sherloc (09022015). Collection method: clinical testing. Allele origin: germline.
Comment: This sequence change replaces alanine, which is neutral and non-polar, with proline, which is neutral and non-polar, at codon 33 of the KARS protein (p.Ala33Pro). The frequency data for this variant in the population databases is considered unreliable, as metrics indicate poor data quality at this position in the gnomAD database. This variant has not been reported in the literature in individuals affected with KARS-related conditions. An algorithm developed to predict the effect of missense changes on protein structure and function (PolyPhen-2) suggests that this variant¬†is likely to be tolerated. In summary, the available evidence is currently insufficient to determine the role of this variant in disease. Therefore, it has been classified as a Variant of Uncertain Significance.